The following is an entry in ClinVar:

ClinVar aggregate classification (germline): Uncertain significance (1 of 4 stars; one submission).

Conditions:
Inborn genetic diseases. Identifiers: MedGen C0950123, MeSH D030342.

Submission:

Ambry Genetics
Classification: Uncertain significance for Inborn genetic diseases. Last evaluated: 2025-03-30. Review status: criteria provided, single submitter. Criteria: Ambry Variant Classification Scheme 2023. Collection method: clinical testing. Allele origin: germline.
Comment: The p.Q834P variant (also known as c.2501A>C), located in coding exon 12 of the BMPR2 gene, results from an A to C substitution at nucleotide position 2501. The glutamine at codon 834 is replaced by proline, an amino acid with similar properties. This amino acid position is conserved. In addition, the in silico prediction for this alteration is inconclusive. Based on the available evidence, the clinical significance of this variant remains unclear.

NM_001204.7(BMPR2):c.2501A>C (p.Gln834Pro)

Gene: BMPR2 (bone morphogenetic protein receptor type 2; plus strand). Cytogenetic location: 2q33.2.
Variant type: single nucleotide variant.
Coding change: c.2501A>C on transcript NM_001204.7 (MANE Select); coding-DNA position 2501, A replaced by C.
Protein change: p.Gln834Pro; replaces glutamine 834 with proline.
Molecular consequence: missense variant.
Genome position (GRCh38, 1-based): chr2:202,556,166, A>C. VCF-style: chr2-202556166-A-C. GRCh37 (hg19) VCF-style: chr2-203420889-A-C.
Other names: short protein forms Q834P.
Identifiers: ClinVar variation 3992081 (VCV003992081.1).